The following is an entry in ClinVar:

NM_001625.4(AK2):c.336_338del (p.Asp113del)

Gene: AK2 (adenylate kinase 2; minus strand). Cytogenetic location: 1p35.1.
Variant type: Deletion.
Coding change: c.336_338del on transcript NM_001625.4 (MANE Select); coding-DNA positions 336 to 338, 3 bases deleted (TGA; older notation c.336_338delTGA).
Protein change: p.Asp113del; deletes aspartic acid 113.
Molecular consequence: inframe deletion. On other transcripts: intron variant (1).
Genome position (GRCh38, 1-based): chr1:33,021,454-33,021,456, TCA deleted on the plus strand (TGA on the coding strand, the reverse complement: AK2 is on the minus strand); deleting any 3 consecutive bases within chr1:33,021,454-33,021,458 gives the same sequence; the c. name uses the placement nearest the transcript's 3' end. VCF-style (leftmost placement, unchanged base first): chr1-33021453-GTCA-G. GRCh37 (hg19) VCF-style: chr1-33487054-GTCA-G.
Other names: c.336_338del, p.Asp113del (NM_001199199.3, NM_001319141.3, NM_013411.5); c.192_194del, p.Asp65del (NM_001319139.3, NM_001319140.2); c.210_212del, p.Asp71del (NM_001319142.3); c.330+137_330+139del (NM_001319143.2); short protein forms D65del, D113del, D71del.
Identifiers: ClinVar variation 840748 (VCV000840748.1), dbSNP rs1639549493, ClinGen allele CA916080230.

ClinVar aggregate classification (germline): Uncertain significance (1 of 4 stars; one submission).

Conditions:
Reticular dysgenesis. Also called: ALEUKOCYTOSIS; CONGENITAL ALEUKIA; HEMATOPOIETIC HYPOPLASIA, GENERALIZED; RETICULAR DYSGENESIA; SEVERE COMBINED IMMUNODEFICIENCY WITH LEUKOPENIA; DeVaal disease. Identifiers: Orphanet 33355, MedGen C0272167, MONDO:0009973, OMIM 267500.

Submission:

Labcorp Genetics (formerly Invitae), Labcorp
Classification: Uncertain significance for Reticular dysgenesis. Last evaluated: 2019-05-01. Review status: criteria provided, single submitter. Criteria: Invitae Variant Classification Sherloc (09022015). Collection method: clinical testing. Allele origin: germline.
Comment: This variant, c.336_338del, results in the deletion of 1 amino acid(s) of the AK2 protein (p.Asp113del), but otherwise preserves the integrity of the reading frame. This variant is not present in population databases (ExAC no frequency). This variant has not been reported in the literature in individuals with AK2-related conditions. Experimental studies and prediction algorithms are not available for this variant, and the functional significance of the affected amino acid(s) is currently unknown. In summary, the available evidence is currently insufficient to determine the role of this variant in disease. Therefore, it has been classified as a Variant of Uncertain Significance.